The following is an entry in ClinVar:

ClinVar aggregate classification (germline): Pathogenic (1 of 4 stars; one submission).

Conditions:
Cernunnos-XLF deficiency (IMD124). Also called: NHEJ1 SYNDROME; Severe combined immunodeficiency with sensitivity to ionizing radiation due to NHEJ1 deficiency; SCID, autosomal recessive, T cell-negative, B cell-negative, NK cell-positive, and sensitivity to ionizing radiation due to NHEJ1 deficiency; IMMUNODEFICIENCY 124, SEVERE COMBINED; SCID, AUTOSOMAL RECESSIVE, T CELL-NEGATIVE, B CELL-NEGATIVE, NK CELL-POSITIVE, WITH MICROCEPHALY, GROWTH RETARDATION, AND SENSITIVITY TO IONIZING RADIATION. Identifiers: Orphanet 169079, MedGen C1969799, MONDO:0012650, OMIM 611291.

Allele frequency attached by ClinVar (database versions not stated): gnomAD exomes below 0.00001.
gnomAD v4.1: 1 of 1,613,906 alleles (0.000062%); highest among the groups gnomAD compares: Non-Finnish European, 0.000085%; no homozygotes.

Submission:

Labcorp Genetics (formerly Invitae), Labcorp
Classification: Pathogenic for Cernunnos-XLF deficiency. Last evaluated: 2023-11-28. Review status: criteria provided, single submitter. Criteria: Invitae Variant Classification Sherloc (09022015). Collection method: clinical testing. Allele origin: germline.
Comment: This sequence change creates a premature translational stop signal (p.Cys123*) in the NHEJ1 gene. It is expected to result in an absent or disrupted protein product. Loss-of-function variants in NHEJ1 are known to be pathogenic (PMID: 16439204, 20597108). This variant is not present in population databases (gnomAD no frequency). This variant has not been reported in the literature in individuals affected with NHEJ1-related conditions. ClinVar contains an entry for this variant (Variation ID: 845632). For these reasons, this variant has been classified as Pathogenic.

Literature cited by the submitters: PubMed 16439204; PubMed 20597108.

NM_024782.3(NHEJ1):c.369C>A (p.Cys123Ter)

Gene: NHEJ1 (non-homologous end joining factor 1; minus strand). Cytogenetic location: 2q35.
Variant type: single nucleotide variant.
Coding change: c.369C>A on transcript NM_024782.3 (MANE Select); coding-DNA position 369, C replaced by A.
Protein change: p.Cys123Ter; replaces cysteine 123 with a stop codon.
Molecular consequence: nonsense. On other transcripts: non-coding transcript variant (1).
Genome position (GRCh38, 1-based): chr2:219,157,493, G>T on the plus strand (C>A on the coding strand, the complement: NHEJ1 is on the minus strand). VCF-style: chr2-219157493-G-T. GRCh37 (hg19) VCF-style: chr2-220022215-G-T.
Other names: c.369C>A, p.Cys123Ter (NM_001377498.1, NM_001377499.1); short protein forms C123*.
Identifiers: ClinVar variation 845632 (VCV000845632.8), dbSNP rs1949865586, ClinGen allele CA350631259.
Genomic context (GRCh38, chr2:219,157,493, plus strand): 5'-GGCATCCCTCCCCCAACCCCACATTCGAATTACACTTACCAGGGAAGGACTAGCTAGCAT[G>T]CAGTGGAAATTCCAATAGAAGGGGAGGCCAGAGAGCTCACTTCGCACCCGTAGAATCAGT-3'